The following is an entry in ClinVar:

NM_001369.3(DNAH5):c.11800_11801insTGTCTCTTATACA (p.Pro3934fs)

Gene: DNAH5 (dynein axonemal heavy chain 5; minus strand). Cytogenetic location: 5p15.2.
Variant type: Insertion.
Coding change: c.11800_11801insTGTCTCTTATACA on transcript NM_001369.3 (MANE Select); coding-DNA positions 11800 to 11801, TGTCTCTTATACA inserted.
Protein change: p.Pro3934fs; shifts the reading frame from proline 3934.
Molecular consequence: frameshift variant.
Genome position: GRCh38 VCF-style: chr5-13729521-G-GTGTATAAGAGACA. GRCh37 (hg19) VCF-style: chr5-13729630-G-GTGTATAAGAGACA.
Other names: short protein forms P3934fs.
Identifiers: ClinVar variation 5011162 (VCV005011162.1).

ClinVar aggregate classification (germline): Pathogenic (1 of 4 stars; one submission).

Conditions:
Primary ciliary dyskinesia 3. Identifiers: Orphanet 244, MedGen C1837618, MONDO:0012085, OMIM 608644.

Submission:

Myriad Genetics, Inc.
Classification: Pathogenic for Primary ciliary dyskinesia 3. Last evaluated: 2024-05-14. Review status: criteria provided, single submitter. Criteria: Myriad Autosomal Dominant, Autosomal Recessive and X-Linked Classification Criteria (2023). Collection method: clinical testing. Allele origin: unknown.
Comment: NM_001369.2(DNAH5):c.11800_11801ins13(P3934Lfs*21) is expected to be pathogenic in the context of primary ciliary dyskinesia, DNAH5-related. This variant is predicted to lead to an abnormal or absent protein product due to the creation of a premature termination codon in DNAH5, a gene where loss-of-function variants are known to be pathogenic. Please note: this variant was assessed in the context of healthy population screening.